The following is an entry in ClinVar:

ClinVar aggregate classification (germline): Uncertain significance (1 of 4 stars; one submission).

Allele frequency attached by ClinVar (database versions not stated): ExAC 0.00001; gnomAD exomes 0.00001.
gnomAD v4.1: 12 of 1,613,618 alleles (0.00074%); highest among the groups gnomAD compares: Non-Finnish European, 0.00093%; no homozygotes.

Submission:

Labcorp Genetics (formerly Invitae), Labcorp
Classification: Uncertain significance. Last evaluated: 2024-07-26. Review status: criteria provided, single submitter. Criteria: Invitae Variant Classification Sherloc (09022015). Collection method: clinical testing. Allele origin: germline.
Comment: This sequence change replaces proline, which is neutral and non-polar, with serine, which is neutral and polar, at codon 1892 of the CACNA1B protein (p.Pro1892Ser). This variant is present in population databases (rs199502462, gnomAD 0.002%). This variant has not been reported in the literature in individuals affected with CACNA1B-related conditions. ClinVar contains an entry for this variant (Variation ID: 1959259). Advanced modeling of protein sequence and biophysical properties (such as structural, functional, and spatial information, amino acid conservation, physicochemical variation, residue mobility, and thermodynamic stability) performed at Invitae indicates that this missense variant is not expected to disrupt CACNA1B protein function with a negative predictive value of 80%. In summary, the available evidence is currently insufficient to determine the role of this variant in disease. Therefore, it has been classified as a Variant of Uncertain Significance.

NM_000718.4(CACNA1B):c.5674C>T (p.Pro1892Ser)

Gene: CACNA1B (calcium voltage-gated channel subunit alpha1 B; plus strand). Cytogenetic location: 9q34.3.
Variant type: single nucleotide variant.
Coding change: c.5674C>T on transcript NM_000718.4 (MANE Select); coding-DNA position 5674, C replaced by T.
Protein change: p.Pro1892Ser; replaces proline 1892 with serine.
Molecular consequence: missense variant.
Genome position (GRCh38, 1-based): chr9:138,115,576, C>T. VCF-style: chr9-138115576-C-T. GRCh37 (hg19) VCF-style: chr9-141010028-C-T.
Other names: c.5674C>T, p.Pro1892Ser (NM_001243812.2); short protein forms P1892S.
Identifiers: ClinVar variation 1959259 (VCV001959259.3), dbSNP rs199502462, ClinGen allele CA5377457.